The following is an entry in ClinVar:

NM_017934.7(PHIP):c.5284T>C (p.Ser1762Pro)

Genes: IRAK1BP1 (interleukin 1 receptor associated kinase 1 binding protein 1; plus strand), PHIP (PHIP subunit of CUL4-Ring ligase complex; minus strand). Cytogenetic location: 6q14.1.
Variant type: single nucleotide variant.
Coding change: c.5284T>C on transcript NM_017934.7 (MANE Select); coding-DNA position 5284, T replaced by C.
Protein change: p.Ser1762Pro; replaces serine 1762 with proline.
Molecular consequence: missense variant.
Genome position (GRCh38, 1-based): chr6:78,940,875, A>G on the plus strand (T>C on the coding strand, the complement: PHIP is on the minus strand). VCF-style: chr6-78940875-A-G. GRCh37 (hg19) VCF-style: chr6-79650592-A-G.
Other names: c.5284T>C (NM_017934.5, NM_017934.6); short protein forms S1762P.
Identifiers: ClinVar variation 3771558 (VCV003771558.15).
Genomic context (GRCh38, chr6:78,940,875, plus strand): 5'-CATCCTCATTATAGAAAGCTGTCCTTCGACCTTGATTTCTAGTTCTCATGTGGGGTTCAG[A>G]GCCTTTGAGTTCTTCAAACTCTTCTTCCTCATCTATAGGATCATCTATCTTTTTTCGGTT-3'
Protein context (NP_060404.4, residues 1752-1772): EEEEFEELKG[Ser1762Pro]EPHMRTRNQG

ClinVar aggregate classification (germline): Conflicting classifications of pathogenicity. Review status: criteria provided, conflicting classifications (1 of 4 stars). 3 submissions from 3 submitters: Uncertain significance (2); Likely benign (1). Last evaluated 2025-08-22.

Conditions:
PHIP-related disorder. Also called: PHIP-related condition; PHIP-related disorders.
Inborn genetic diseases. Identifiers: MedGen C0950123, MeSH D030342.

gnomAD v4.1: 45 of 1,613,774 alleles (0.0028%); highest among the groups gnomAD compares: Non-Finnish European, 0.0036%; no homozygotes.

Submissions (3):

Ambry Genetics
Classification: Uncertain significance for Inborn genetic diseases. Last evaluated: 2025-08-22. Review status: criteria provided, single submitter. Criteria: Ambry Variant Classification Scheme 2023. Collection method: clinical testing. Allele origin: germline.

PreventionGenetics, part of Exact Sciences
Classification: Uncertain significance for PHIP-related condition. Last evaluated: 2025-08-06. Review status: criteria provided, single submitter. Criteria: ACMG Guidelines, 2015. Collection method: clinical testing. Allele origin: germline.
Comment: The PHIP c.5284T>C variant is predicted to result in the amino acid substitution p.Ser1762Pro. To our knowledge, this variant has not been reported in the literature. This variant is reported in 0.0040% of alleles in individuals of African descent in gnomAD. At this time, the clinical significance of this variant is uncertain due to the absence of conclusive functional and genetic evidence.

CeGaT Center for Human Genetics Tuebingen
Classification: Likely benign. Last evaluated: 2025-01-01. Review status: criteria provided, single submitter. Criteria: CeGaT Center For Human Genetics Tuebingen Variant Classification Criteria Version 2. Collection method: clinical testing. Allele origin: germline. Affected: yes. Observed: 1 variant allele.
Comment: PHIP: BP4